The following is an entry in ClinVar:

ClinVar aggregate classification (germline): Pathogenic. Review status: criteria provided, multiple submitters, no conflicts (2 of 4 stars). 4 submissions from 4 submitters: Pathogenic (4). Last evaluated 2026-01-27.

Conditions:
Achromatopsia 2 (ACHM2). Also called: ROD MONOCHROMACY 2; ROD MONOCHROMATISM 2; COLORBLINDNESS, TOTAL. Identifiers: Orphanet 49382, MedGen C1857618, MONDO:0009003, OMIM 216900.
CNGA3-related disorders.

Allele frequency attached by ClinVar (database versions not stated): TOPMed below 0.00001; gnomAD 0.00001; gnomAD exomes 0.00001.
gnomAD v4.1: 13 of 1,614,082 alleles (0.00081%); highest among the groups gnomAD compares: Admixed American, 0.0017%; no homozygotes.

Submissions (4):

Labcorp Genetics (formerly Invitae), Labcorp
Classification: Pathogenic. Last evaluated: 2026-01-27. Review status: criteria provided, single submitter. Criteria: Invitae Variant Classification Sherloc (09022015). Collection method: clinical testing. Allele origin: germline.
Comment: This sequence change replaces serine, which is neutral and polar, with proline, which is neutral and non-polar, at codon 341 of the CNGA3 protein (p.Ser341Pro). This variant is present in population databases (no rsID available, gnomAD 0.0009%). This missense change has been observed in individual(s) with achromatopsia (PMID: 11536077, 15712225, 20506298). In at least one individual the data is consistent with being in trans (on the opposite chromosome) from a pathogenic variant. ClinVar contains an entry for this variant (Variation ID: 866559). Invitae Evidence Modeling of protein sequence and biophysical properties (such as structural, functional, and spatial information, amino acid conservation, physicochemical variation, residue mobility, and thermodynamic stability) has been performed for this missense variant. However, the output from this modeling did not meet the statistical confidence thresholds required to predict the impact of this variant on CNGA3 protein function. Experimental studies have shown that this missense change affects CNGA3 function (PMID: 17693388, 20506298). For these reasons, this variant has been classified as Pathogenic.

Women's Health and Genetics/Laboratory Corporation of America, LabCorp
Classification: Pathogenic for Achromatopsia 2. Last evaluated: 2025-04-30. Review status: criteria provided, single submitter. Criteria: LabCorp Variant Classification Summary - May 2015. Collection method: clinical testing. Allele origin: germline.
Comment: Variant summary: CNGA3 c.1021T>C (p.Ser341Pro) results in a non-conservative amino acid change in the encoded protein sequence. Three of five in-silico tools predict a damaging effect of the variant on protein function. The variant allele was found at a frequency of 8e-06 in 251466 control chromosomes. c.1021T>C has been observed in individuals affected with Achromatopsia 2 (Wissinger_2001, Koeppen_2010, Brunetti-Pierri_2021). These data indicate that the variant is likely to be associated with disease. At least two publications report experimental evidence evaluating an impact on protein function and this variant affected the CNGA3 protein function (Muraki-Oda_2007, Koeppen_2010). The following publications have been ascertained in the context of this evaluation (PMID: 33562422, 20506298, 17693388, 11536077). ClinVar contains an entry for this variant (Variation ID: 866559). Based on the evidence outlined above, the variant was classified as pathogenic.

Blueprint Genetics
Classification: Pathogenic for CNGA3-related disorders. Last evaluated: 2023-09-21. Review status: criteria provided, single submitter. Criteria: ACMG Guidelines, 2015. Collection method: clinical testing. Allele origin: germline. Affected: yes. Observed: 5 variant alleles.

Institute of Medical Genetics and Applied Genomics, University Hospital Tübingen
Classification: Pathogenic. Last evaluated: 2021-09-15. Review status: criteria provided, single submitter. Criteria: ACMG Guidelines, 2015. Collection method: clinical testing. Allele origin: germline. Inheritance: Autosomal recessive inheritance. Affected: yes.

Literature cited by the submitters: PubMed 11536077 (cited by Labcorp Genetics (formerly Invitae), Labcorp and Women's Health and Genetics/Laboratory Corporation of America, LabCorp); PubMed 15712225 (cited by Labcorp Genetics (formerly Invitae), Labcorp); PubMed 20506298 (cited by Labcorp Genetics (formerly Invitae), Labcorp and Women's Health and Genetics/Laboratory Corporation of America, LabCorp); PubMed 17693388 (cited by Labcorp Genetics (formerly Invitae), Labcorp and Women's Health and Genetics/Laboratory Corporation of America, LabCorp); PubMed 33562422 (cited by Women's Health and Genetics/Laboratory Corporation of America, LabCorp).

NM_001298.3(CNGA3):c.1021T>C (p.Ser341Pro)

Gene: CNGA3 (cyclic nucleotide gated channel subunit alpha 3; plus strand). Cytogenetic location: 2q11.2.
Variant type: single nucleotide variant.
Coding change: c.1021T>C on transcript NM_001298.3 (MANE Select); coding-DNA position 1021, T replaced by C.
Protein change: p.Ser341Pro; replaces serine 341 with proline.
Molecular consequence: missense variant.
Genome position (GRCh38, 1-based): chr2:98,396,191, T>C. VCF-style: chr2-98396191-T-C. GRCh37 (hg19) VCF-style: chr2-99012654-T-C.
Other names: c.967T>C, p.Ser323Pro (NM_001079878.2); short protein forms S323P, S341P.
Identifiers: ClinVar variation 866559 (VCV000866559.14), dbSNP rs1227761587, ClinGen allele CA347832661.
Genomic context (GRCh38, chr2:98,396,191, plus strand): 5'-TACTTTGCCATTTCCAAGTTCATTGGTTTTGGGACAGACTCCTGGGTCTACCCAAACATC[T>C]CAATCCCAGAGCATGGGCGCCTCTCCAGGAAGTACATTTACAGTCTCTACTGGTCCACCT-3'
Protein context (NP_001289.1, residues 331-351): GTDSWVYPNI[Ser341Pro]IPEHGRLSRK